The following is an entry in ClinVar:

ClinVar aggregate classification (germline): Uncertain significance (1 of 4 stars; one submission).

Conditions:
Early-infantile DEE. Also called: Ohtahara syndrome; Early infantile epileptic encephalopathy; Early infantile epileptic encephalopathy with suppression bursts. Identifiers: Orphanet 1934, MedGen C0393706, MONDO:0800491.

Submission:

Labcorp Genetics (formerly Invitae), Labcorp
Classification: Uncertain significance for Early-infantile DEE. Last evaluated: 2023-10-17. Review status: criteria provided, single submitter. Criteria: Invitae Variant Classification Sherloc (09022015). Collection method: clinical testing. Allele origin: germline.
Comment: This sequence change replaces phenylalanine, which is neutral and non-polar, with leucine, which is neutral and non-polar, at codon 635 of the SCN1A protein (p.Phe635Leu). This variant is not present in population databases (gnomAD no frequency). This variant has not been reported in the literature in individuals affected with SCN1A-related conditions. Advanced modeling of protein sequence and biophysical properties (such as structural, functional, and spatial information, amino acid conservation, physicochemical variation, residue mobility, and thermodynamic stability) performed at Invitae indicates that this missense variant is not expected to disrupt SCN1A protein function. In summary, the available evidence is currently insufficient to determine the role of this variant in disease. Therefore, it has been classified as a Variant of Uncertain Significance.

NM_001165963.4(SCN1A):c.1903T>C (p.Phe635Leu)

Gene: SCN1A (sodium voltage-gated channel alpha subunit 1; minus strand). Cytogenetic location: 2q24.3.
Variant type: single nucleotide variant.
Coding change: c.1903T>C on transcript NM_001165963.4 (MANE Select); coding-DNA position 1903, T replaced by C.
Protein change: p.Phe635Leu; replaces phenylalanine 635 with leucine.
Molecular consequence: missense variant. On other transcripts: 5 prime UTR variant (1), non-coding transcript variant (1).
Genome position (GRCh38, 1-based): chr2:166,043,809, A>G on the plus strand (T>C on the coding strand, the complement: SCN1A is on the minus strand). VCF-style: chr2-166043809-A-G. GRCh37 (hg19) VCF-style: chr2-166900319-A-G.
Other names: c.1903T>C, p.Phe635Leu (NM_001165964.3, NM_001202435.3, NM_001353948.2 and 7 more transcripts); c.1900T>C, p.Phe634Leu (NM_001353954.2, NM_001353955.2, NM_001353960.2); c.-523T>C (NM_001353961.2); short protein forms F634L, F635L.
Identifiers: ClinVar variation 2769443 (VCV002769443.3), dbSNP rs2468151979, ClinGen allele CA349067330.